The following is an entry in ClinVar:

ClinVar aggregate classification (germline): Conflicting classifications of pathogenicity. Review status: criteria provided, conflicting classifications (1 of 4 stars). 5 submissions from 5 submitters: Uncertain significance (3); Likely benign (2). Last evaluated 2025-08-14.

Conditions:
Catecholaminergic polymorphic ventricular tachycardia (CVPT). Also called: Catecholamine-induced polymorphic ventricular tachycardia. Identifiers: Orphanet 3286, MedGen C5574922, MONDO:0017990.
Cardiovascular phenotype. Identifiers: MedGen CN230736.
Cardiomyopathy (CMYO). Also called: Cardiomyopathies. Identifiers: Orphanet 167848, MedGen C0878544, MONDO:0004994, HP:0001638. Inheritance: Various modes of inheritance.
Catecholaminergic polymorphic ventricular tachycardia 1. Also called: VENTRICULAR TACHYCARDIA, CATECHOLAMINERGIC POLYMORPHIC, 1, WITH OR WITHOUT ATRIAL DYSFUNCTION AND/OR DILATED CARDIOMYOPATHY; RYR2-Related Catecholaminergic Polymorphic Ventricular Tachycardia; VENTRICULAR TACHYCARDIA, STRESS-INDUCED POLYMORPHIC 1. Identifiers: Orphanet 3286, MedGen C1631597, MONDO:0011484, OMIM 604772.

Allele frequency attached by ClinVar (database versions not stated): gnomAD exomes below 0.00001 and 0.00002; TOPMed 0.00004.
gnomAD v4.1: 7 of 1,613,932 alleles (0.00043%); highest among the groups gnomAD compares: African/African-American, 0.0053%; no homozygotes.

Submissions (5):

Color Diagnostics, LLC DBA Color Health
Classification: Likely benign for Cardiomyopathy. Last evaluated: 2025-08-14. Review status: criteria provided, single submitter. Criteria: ACMG Guidelines, 2015. Collection method: clinical testing. Allele origin: germline.

Labcorp Genetics (formerly Invitae), Labcorp
Classification: Uncertain significance for Catecholaminergic polymorphic ventricular tachycardia 1. Last evaluated: 2025-07-27. Review status: criteria provided, single submitter. Criteria: Invitae Variant Classification Sherloc (09022015). Collection method: clinical testing. Allele origin: germline.
Comment: This sequence change replaces arginine, which is basic and polar, with lysine, which is basic and polar, at codon 4225 of the RYR2 protein (p.Arg4225Lys). This variant is present in population databases (no rsID available, gnomAD 0.009%). This variant has not been reported in the literature in individuals affected with RYR2-related conditions. ClinVar contains an entry for this variant (Variation ID: 923421). Invitae Evidence Modeling of protein sequence and biophysical properties (such as structural, functional, and spatial information, amino acid conservation, physicochemical variation, residue mobility, and thermodynamic stability) indicates that this missense variant is not expected to disrupt RYR2 protein function with a negative predictive value of 95%. In summary, the available evidence is currently insufficient to determine the role of this variant in disease. Therefore, it has been classified as a Variant of Uncertain Significance.

Ambry Genetics
Classification: Likely benign for Cardiovascular phenotype. Last evaluated: 2025-03-22. Review status: criteria provided, single submitter. Criteria: Ambry Variant Classification Scheme 2023. Collection method: clinical testing. Allele origin: germline.

All of Us Research Program, National Institutes of Health
Classification: Uncertain significance for Catecholaminergic polymorphic ventricular tachycardia. Last evaluated: 2024-04-16. Review status: criteria provided, single submitter. Criteria: ACMG Guidelines, 2015. Collection method: clinical testing. Allele origin: germline. Inheritance: Autosomal dominant inheritance. Observed: 3 variant alleles, 3 heterozygotes.
Comment: This missense variant replaces arginine with lysine at codon 4225 of the RYR2 protein. Computational prediction suggests that this variant may not impact protein structure and function (internally defined REVEL score threshold <= 0.5, PMID: 27666373). To our knowledge, functional studies have not been reported for this variant. This variant has not been reported in individuals affected with RYR2-related disorders in the literature. This variant has been identified in 4/248500 chromosomes in the general population by the Genome Aggregation Database (gnomAD). The available evidence is insufficient to determine the role of this variant in disease conclusively. Therefore, this variant is classified as a Variant of Uncertain Significance.

This study involves interpretation of variants in research participants for the purpose of population health screening. Participant phenotype was not available at the time of variant classification. Additional details can be found in publication PMID: 35346344, PMCID: PMC8962531

GeneDx
Classification: Uncertain significance. Last evaluated: 2023-02-17. Review status: criteria provided, single submitter. Criteria: GeneDx Variant Classification Process June 2021. Collection method: clinical testing. Allele origin: germline. Affected: yes.
Comment: Has not been previously published as pathogenic or benign to our knowledge; Not observed at significant frequency in large population cohorts (gnomAD); In silico analysis supports that this missense variant does not alter protein structure/function; Located in one of the three hot-spot regions of the RYR2 gene, where the majority of pathogenic missense variants occur (Medeiros-Domingo et al., 2009); This variant is associated with the following publications: (PMID: 19926015)

NM_001035.3(RYR2):c.12674G>A (p.Arg4225Lys)

Genes: RYR2 (ryanodine receptor 2; plus strand), LOC126806068 (BRD4-independent group 4 enhancer GRCh37_chr1:237947411-237948610; plus strand). Cytogenetic location: 1q43.
Variant type: single nucleotide variant.
Coding change: c.12674G>A on transcript NM_001035.3 (MANE Select); coding-DNA position 12674, G replaced by A.
Protein change: p.Arg4225Lys; replaces arginine 4225 with lysine.
Molecular consequence: missense variant.
Genome position (GRCh38, 1-based): chr1:237,784,386, G>A. VCF-style: chr1-237784386-G-A. GRCh37 (hg19) VCF-style: chr1-237947686-G-A.
Other names: c.12674G>A (NM_001035.2); short protein forms R4225K.
Identifiers: ClinVar variation 923421 (VCV000923421.17), dbSNP rs1223110750, ClinGen allele CA345413888.
Genomic context (GRCh38, chr1:237,784,386, plus strand): 5'-AGATCTCGGAGTCGGACTTGAACGAGAGGTCAGCGAATAAGGAAGAAAGCGAGAAGGAGA[G>A]GCCGGAAGAGCAGGGGCCGAGGATGGCTTTCTTCTCCATTCTGACGGTCAGGTCGGCCCT-3'
Protein context (NP_001026.2, residues 4215-4235): SANKEESEKE[Arg4225Lys]PEEQGPRMAF